The following is an entry in ClinVar:

ClinVar aggregate classification (germline): Conflicting classifications of pathogenicity. Review status: criteria provided, conflicting classifications (1 of 4 stars). 3 submissions from 3 submitters: Uncertain significance (1); Likely benign (2). Last evaluated 2025-10-29.

Conditions:
RASopathy. Also called: Noonan spectrum disorder; rasopathies. Identifiers: Orphanet 536391, MedGen C5555857, MONDO:0021060.

Allele frequency attached by ClinVar (database versions not stated): TOPMed 0.00001; gnomAD exomes 0.00001 and 0.00003; gnomAD 0.00001.
gnomAD v4.1: 10 of 1,601,244 alleles (0.00062%); highest among the groups gnomAD compares: Admixed American, 0.017%; no homozygotes.

Submissions (3):

Labcorp Genetics (formerly Invitae), Labcorp
Classification: Likely benign for RASopathy. Last evaluated: 2025-10-29. Review status: criteria provided, single submitter. Criteria: Invitae Variant Classification Sherloc (09022015). Collection method: clinical testing. Allele origin: germline.

Women's Health and Genetics/Laboratory Corporation of America, LabCorp
Classification: Likely benign. Last evaluated: 2024-12-12. Review status: criteria provided, single submitter. Criteria: LabCorp Variant Classification Summary - May 2015. Collection method: clinical testing. Allele origin: germline.

GeneDx
Classification: Uncertain significance. Last evaluated: 2021-05-18. Review status: criteria provided, single submitter. Criteria: GeneDx Variant Classification Process June 2021. Collection method: clinical testing. Allele origin: germline. Affected: yes.
Comment: In silico analysis, which includes splice predictors and evolutionary conservation, supports a deleterious effect; Has not been previously published as pathogenic or benign to our knowledge

NM_002834.5(PTPN11):c.1600-11C>G

Gene: PTPN11 (protein tyrosine phosphatase non-receptor type 11; plus strand). Cytogenetic location: 12q24.13.
Variant type: single nucleotide variant.
Coding change: c.1600-11C>G on transcript NM_002834.5 (MANE Select); 11 bases into the intron before coding-DNA position 1600, C replaced by G.
Molecular consequence: intron variant.
Genome position (GRCh38, 1-based): chr12:112,502,133, C>G. VCF-style: chr12-112502133-C-G. GRCh37 (hg19) VCF-style: chr12-112939937-C-G.
Other names: c.1612-11C>G (NM_001330437.2); c.1597-11C>G (NM_001374625.1).
Identifiers: ClinVar variation 1254185 (VCV001254185.8), dbSNP rs1472156150, ClinGen allele CA607379630.